The following is an entry in ClinVar:

ClinVar aggregate classification (germline): Uncertain significance (1 of 4 stars; one submission).

Conditions:
Neuronopathy, distal hereditary motor, type 7A. Also called: NEURONOPATHY, DISTAL HEREDITARY MOTOR, HARDING TYPE VIIA; NEUROPATHY, DISTAL HEREDITARY MOTOR, HARDING TYPE VIIA; Neuronopathy, distal hereditary motor, autosomal dominant 7; HARPER-YOUNG MYOPATHY; HMN VIIA; SPINAL MUSCULAR ATROPHY, DISTAL, WITH VOCAL CORD PARALYSIS. Identifiers: Orphanet 139589, MedGen C1834703, MONDO:0008024, OMIM 158580.
Congenital myasthenic syndrome 20. Also called: Myasthenic syndrome, congenital, 20, presynaptic. Identifiers: MedGen C4310694, MONDO:0014939, OMIM 617143.

Submission:

Labcorp Genetics (formerly Invitae), Labcorp
Classification: Uncertain significance for Neuronopathy, distal hereditary motor, type 7A; Congenital myasthenic syndrome 20. Last evaluated: 2018-11-06. Review status: criteria provided, single submitter. Criteria: Invitae Variant Classification Sherloc (09022015). Collection method: clinical testing. Allele origin: germline.
Comment: In summary, the available evidence is currently insufficient to determine the role of this variant in disease. Therefore, it has been classified as a Variant of Uncertain Significance. Algorithms developed to predict the effect of missense changes on protein structure and function (SIFT, PolyPhen-2, Align-GVGD) all suggest that this variant is likely to be disruptive, but these predictions have not been confirmed by published functional studies and their clinical significance is uncertain. This variant has not been reported in the literature in individuals with SLC5A7-related disease. This variant is not present in population databases (ExAC no frequency). This sequence change replaces serine with cysteine at codon 263 of the SLC5A7 protein (p.Ser263Cys). The serine residue is highly conserved and there is a moderate physicochemical difference between serine and cysteine.

NM_021815.5(SLC5A7):c.788C>G (p.Ser263Cys)

Gene: SLC5A7 (solute carrier family 5 member 7; plus strand). Cytogenetic location: 2q12.3.
Variant type: single nucleotide variant.
Coding change: c.788C>G on transcript NM_021815.5 (MANE Select); coding-DNA position 788, C replaced by G.
Protein change: p.Ser263Cys; replaces serine 263 with cysteine.
Molecular consequence: missense variant.
Genome position (GRCh38, 1-based): chr2:108,006,095, C>G. VCF-style: chr2-108006095-C-G. GRCh37 (hg19) VCF-style: chr2-108622551-C-G.
Other names: c.788C>G, p.Ser263Cys (NM_001305005.3); c.473C>G, p.Ser158Cys (NM_001305006.3); c.47C>G, p.Ser16Cys (NM_001305007.3); short protein forms S158C, S16C, S263C.
Identifiers: ClinVar variation 650043 (VCV000650043.6), dbSNP rs1259002559, ClinGen allele CA348113144.